The following is an entry in ClinVar:

ClinVar aggregate classification (germline): Uncertain significance (1 of 4 stars; one submission).

Conditions:
Pyruvate dehydrogenase E1-beta deficiency (PDHBD). Identifiers: Orphanet 255138, Orphanet 765, MedGen C3279841, MONDO:0013580, OMIM 614111.

Submission:

Labcorp Genetics (formerly Invitae), Labcorp
Classification: Uncertain significance for Pyruvate dehydrogenase E1-beta deficiency. Last evaluated: 2022-07-11. Review status: criteria provided, single submitter. Criteria: Invitae Variant Classification Sherloc (09022015). Collection method: clinical testing. Allele origin: germline.
Comment: This variant results in a copy number gain of the genomic region encompassing exon(s) 1-2 of the PDHB gene. This region includes the initiator codon of the gene. This copy number gain extends beyond the assayed region for this gene and therefore may encompass additional genes. As the precise location of this event is unknown, it may be in tandem or it may be located elsewhere in the genome. This variant has not been reported in the literature in individuals affected with PDHB-related conditions. Experimental studies and prediction algorithms are not available or were not evaluated, and the functional significance of this variant is currently unknown. In summary, the available evidence is currently insufficient to determine the role of this variant in disease. Therefore, it has been classified as a Variant of Uncertain Significance.

NC_000003.11:g.(?_58419338)_(58419536_?)dup

Gene: PDHB (pyruvate dehydrogenase E1 subunit beta; minus strand). Cytogenetic location: 3p14.3.
Variant type: Duplication.
Identifiers: ClinVar variation 2423439 (VCV002423439.3).